The following is an entry in ClinVar:

ClinVar aggregate classification (germline): Likely benign. Review status: criteria provided, single submitter (1 of 4 stars). 2 submissions from 2 submitters: Likely benign (1). 1 of the submissions does not count toward it. Last evaluated 2024-08-05.

Conditions:
Spondyloepimetaphyseal dysplasia, PAPSS2 type. Also called: BRACHYOLMIA TYPE 4 WITH MILD EPIPHYSEAL AND METAPHYSEAL CHANGES; SPONDYLODYSPLASIA AND PREMATURE PUBARCHE; SEMD, PAKISTANI TYPE. Identifiers: Orphanet 93282, MedGen C2748516, MONDO:0019666, OMIM 612847.
PAPSS2-related disorder. Also called: PAPSS2-related condition.

Allele frequency attached by ClinVar (database versions not stated): gnomAD exomes 0.00001 and 0.00006; TOPMed 0.00002; ExAC 0.00005; gnomAD 0.00005 and 0.00006.
gnomAD v4.1: 23 of 1,612,102 alleles (0.0014%); highest among the groups gnomAD compares: East Asian, 0.051%; no homozygotes.

Submissions (2):

Labcorp Genetics (formerly Invitae), Labcorp
Classification: Likely benign for Spondyloepimetaphyseal dysplasia, PAPSS2 type. Last evaluated: 2024-08-05. Review status: criteria provided, single submitter. Criteria: Invitae Variant Classification Sherloc (09022015). Collection method: clinical testing. Allele origin: germline.

PreventionGenetics, part of Exact Sciences
Classification: Likely benign for PAPSS2-related condition. Last evaluated: 2019-08-20. Review status: no assertion criteria provided. Collection method: clinical testing. Allele origin: germline. Not counted in ClinVar's aggregate classification.
Comment: This variant is classified as likely benign based on ACMG/AMP sequence variant interpretation guidelines (Richards et al. 2015 PMID: 25741868, with internal and published modifications).

NM_001015880.2(PAPSS2):c.881-10C>T

Gene: PAPSS2 (3'-phosphoadenosine 5'-phosphosulfate synthase 2; plus strand). Cytogenetic location: 10q23.31.
Variant type: single nucleotide variant.
Coding change: c.881-10C>T on transcript NM_001015880.2 (MANE Select); 10 bases into the intron before coding-DNA position 881, C replaced by T.
Molecular consequence: intron variant.
Genome position (GRCh38, 1-based): chr10:87,727,274, C>T. VCF-style: chr10-87727274-C-T. GRCh37 (hg19) VCF-style: chr10-89487031-C-T.
Other names: c.866-10C>T (NM_004670.4, NM_004670.3).
Identifiers: ClinVar variation 1585189 (VCV001585189.10), dbSNP rs772537897, ClinGen allele CA5589598.